The following is an entry in ClinVar:

NM_014780.5(CUL7):c.17G>A (p.Arg6His)

Gene: CUL7 (cullin 7; minus strand). Cytogenetic location: 6p21.1.
Variant type: single nucleotide variant.
Coding change: c.17G>A on transcript NM_014780.5 (MANE Select); coding-DNA position 17, G replaced by A.
Protein change: p.Arg6His; replaces arginine 6 with histidine.
Molecular consequence: missense variant.
Genome position (GRCh38, 1-based): chr6:43,052,772, C>T on the plus strand (G>A on the coding strand, the complement: CUL7 is on the minus strand). VCF-style: chr6-43052772-C-T. GRCh37 (hg19) VCF-style: chr6-43020510-C-T.
Other names: c.17G>A, p.Arg6His (NM_001168370.2, NM_001374872.1, NM_001374873.1 and 1 more transcripts); c.17G>A (NM_014780.4); short protein forms R6H.
Identifiers: ClinVar variation 2048209 (VCV002048209.2), dbSNP rs369208421, ClinGen allele CA3814469.

ClinVar aggregate classification (germline): Conflicting classifications of pathogenicity. Review status: criteria provided, conflicting classifications (1 of 4 stars). 2 submissions from 2 submitters: Uncertain significance (1); Likely benign (1). Last evaluated 2025-02-17.

Conditions:
CUL7-related disorder. Also called: CUL7-related condition.

Allele frequency attached by ClinVar (database versions not stated): gnomAD 0.00007; ESP Exome Variant Server 0.00008; gnomAD exomes 0.00009; TOPMed 0.00016; ExAC 0.00017.
gnomAD v4.1: 133 of 1,605,584 alleles (0.0083%); highest among the groups gnomAD compares: Admixed American, 0.11%; no homozygotes.

Submissions (2):

PreventionGenetics, part of Exact Sciences
Classification: Likely benign for CUL7-related condition. Last evaluated: 2025-02-17. Review status: criteria provided, single submitter. Criteria: ACMG Guidelines, 2015. Collection method: clinical testing. Allele origin: germline.
Comment: This variant is classified as likely benign based on ACMG/AMP sequence variant interpretation guidelines (Richards et al. 2015 PMID: 25741868, with internal and published modifications).

Labcorp Genetics (formerly Invitae), Labcorp
Classification: Uncertain significance. Last evaluated: 2022-08-22. Review status: criteria provided, single submitter. Criteria: Invitae Variant Classification Sherloc (09022015). Collection method: clinical testing. Allele origin: germline.
Comment: This sequence change replaces arginine, which is basic and polar, with histidine, which is basic and polar, at codon 6 of the CUL7 protein (p.Arg6His). This variant is present in population databases (rs369208421, gnomAD 0.2%). This variant has not been reported in the literature in individuals affected with CUL7-related conditions. Algorithms developed to predict the effect of missense changes on protein structure and function are either unavailable or do not agree on the potential impact of this missense change (SIFT: "Deleterious"; PolyPhen-2: "Benign"; Align-GVGD: "Class C0"). In summary, the available evidence is currently insufficient to determine the role of this variant in disease. Therefore, it has been classified as a Variant of Uncertain Significance.